The following is an entry in ClinVar:

NM_000059.4(BRCA2):c.6896dup (p.Asn2299fs)

Gene: BRCA2 (BRCA2 DNA repair associated; plus strand). Cytogenetic location: 13q13.1.
Variant type: Duplication.
Coding change: c.6896dup on transcript NM_000059.4 (MANE Select); coding-DNA position 6896, one base duplicated (A; older notation c.6896dupA).
Protein change: p.Asn2299fs; shifts the reading frame from asparagine 2299.
Molecular consequence: frameshift variant.
Genome position (GRCh38, 1-based): chr13:32,344,612, A duplicated; the last of 4 consecutive A bases (chr13:32,344,609-32,344,612); duplicating any one gives the same sequence. VCF-style (leftmost placement, unchanged base first): chr13-32344608-G-GA. GRCh37 (hg19) VCF-style: chr13-32918745-G-GA.
Other names: c.6896dupA (NM_000059.3); short protein forms N2299fs.
Identifiers: ClinVar variation 267662 (VCV000267662.12), dbSNP rs886040933, ClinGen allele CA10602531.

ClinVar aggregate classification (germline): Pathogenic/Likely pathogenic. Review status: criteria provided, multiple submitters, no conflicts (2 of 4 stars). 5 submissions from 5 submitters: Pathogenic (3); Likely pathogenic (2). Last evaluated 2025-10-13.

Conditions:
Breast-ovarian cancer, familial, susceptibility to, 2 (BROVCA2). Also called: BRCA2 Hereditary Breast and Ovarian Cancer. Identifiers: Orphanet 145, MedGen C2675520, MONDO:0012933, OMIM 612555. Disease mechanism: loss of function.
Hereditary cancer-predisposing syndrome. Also called: Hereditary neoplastic syndrome; Neoplastic Syndromes, Hereditary; Tumor predisposition; Hereditary Cancer Syndrome. Identifiers: Orphanet 140162, MedGen C0027672, MeSH D009386, MONDO:0015356.
Hereditary breast ovarian cancer syndrome. Also called: BRCA1- and BRCA2-Associated Hereditary Breast and Ovarian Cancer; Hereditary breast and ovarian cancer; Breast and ovarian cancer; Hereditary breast and/or ovarian cancer syndrome; Hereditary breast and ovarian cancer syndrome; Hereditary breast and ovarian cancer syndrome (HBOC). Identifiers: Orphanet 145, MedGen C0677776, MeSH D061325, MONDO:0003582. Disease mechanism: loss of function.

Submissions (5):

Color Diagnostics, LLC DBA Color Health
Classification: Likely pathogenic for Hereditary cancer-predisposing syndrome. Last evaluated: 2025-10-13. Review status: criteria provided, single submitter. Criteria: ACMG Guidelines, 2015. Collection method: clinical testing. Allele origin: germline.
Comment: This variant inserts 1 nucleotide in exon 12 of the BRCA2 gene, creating a frameshift and premature translation stop signal. This variant is expected to result in an absent or non-functional protein product. A transcript with the in-frame skipping of exon 12 that may retain some BRCA2 activity has been reported in normal individuals, which may attenuate the deleterious impact of this variant (PMID: 19795481, 32046981). A RNA study has reported that this variant does not increase the skipping of exon 12 (PMID: 32046981). This variant has been reported in a suspected hereditary breast and ovarian cancer family (PMID: 24156927, 29446198) and it has been reported in trans with BRCA2 c.1333dup in an individual affected with Fanconi anemia (PMID: 38658784). This variant has not been identified in the general population by the Genome Aggregation Database (gnomAD). Loss of BRCA2 function is a known mechanism of disease. Based on the available evidence, this variant is classified as Likely Pathogenic.

Ambry Genetics
Classification: Likely pathogenic for Hereditary cancer-predisposing syndrome. Last evaluated: 2025-03-07. Review status: criteria provided, single submitter. Criteria: Ambry Variant Classification Scheme 2023. Collection method: clinical testing. Allele origin: germline.
Comment: The c.6896dupA variant, located in coding exon 11 of the BRCA2 gene, results from a duplication of A at nucleotide position 6896, causing a translational frameshift with a predicted alternate stop codon (p.N2299Kfs*41). This variant has been identified in conjunction with another BRCA2 variant in an individual with features consistent with Fanconi anemia (Freycon C et al. Clin Genet. 2024 Aug;106(2):193-19). This variant has been reported in individuals with a personal or family history of breast cancer (Tea MK et al. Maturitas, 2014 Jan;77:68-72; Lertwilaiwittaya P et al. Breast Cancer Res Treat, 2021 Jul;188:237-248; Kansuttiviwat C et al. NPJ Genom Med . 2024 Feb;9(1):9). This variant is considered to be rare based on population cohorts in the Genome Aggregation Database (gnomAD). This alteration is expected to result in premature protein truncation or nonsense-mediated mRNA decay. Of note, however, this variant occurs in an exon (referred to as exon 12 in the literature) that is absent in biologically relevant transcripts (Li L et al. Hum. Mutat. 2009 Nov;30(11):1543-50). Based on the majority of available evidence to date, this variant is likely to be pathogenic. However, because this variant is identified in one or more patients with Fanconi Anemia it may be hypomorphic and thus, carriers of this variant and their families may present with reduced risks, and not with the typical clinical characteristics of a high-risk pathogenic BRCA2 alteration. As risk estimates are unknown at this time, clinical correlation is advised.

German Consortium for Hereditary Breast and Ovarian Cancer, University Hospital Cologne
Classification: Pathogenic for Hereditary breast ovarian cancer syndrome. Last evaluated: 2024-05-28. Review status: criteria provided, single submitter. Criteria: ClinGen BRCA2 V1.0.0. Collection method: curation. Allele origin: germline.
Comment: According to the ClinGen ENIGMA BRCA2 v1.0.0 criteria we chose these criteria: PVS1 (very strong pathogenic): Null variant (nonsense, frameshift, splice site (donor/acceptor +/-1,2), initiation codon, single or multi-exon deletion) in a gene where loss of function (LOF) is a known mechanism of disease, PM2 (supporting pathogenic): not in gnomAD, PM5 (strong pathogenic): Stop in EXON 13 (see ENIGMA Table 4)

GeneDx
Classification: Pathogenic. Last evaluated: 2019-08-27. Review status: criteria provided, single submitter. Criteria: GeneDx Variant Classification Process June 2021. Collection method: clinical testing. Allele origin: germline. Affected: yes.
Comment: Frameshift variant predicted to result in protein truncation or nonsense mediated decay in a gene for which loss-of-function is a known mechanism of disease; Not observed in large population cohorts (Lek 2016); Truncating variants in this gene are considered pathogenic by a well-established clinical consortium and/or database; Observed in individuals with a personal or family history consistent with pathogenic variants in this gene (Tea 2014); Also known as c.7124dupA; This variant is associated with the following publications: (PMID: 32046981, 24156927)

Consortium of Investigators of Modifiers of BRCA1/2 (CIMBA), c/o University of Cambridge
Classification: Pathogenic for Breast-ovarian cancer, familial, susceptibility to, 2. Last evaluated: 2015-10-02. Review status: criteria provided, single submitter. Criteria: CIMBA Mutation Classification guidelines May 2016. Collection method: clinical testing. Allele origin: germline.

Literature cited by the submitters: PubMed 19795481 (cited by Color Diagnostics, LLC DBA Color Health); PubMed 24156927 (cited by Color Diagnostics, LLC DBA Color Health and Ambry Genetics); PubMed 29446198 (cited by Color Diagnostics, LLC DBA Color Health and Ambry Genetics); PubMed 32046981 (cited by Color Diagnostics, LLC DBA Color Health and Ambry Genetics); PubMed 38658784 (cited by Color Diagnostics, LLC DBA Color Health and Ambry Genetics); PubMed 33649982 (cited by Ambry Genetics); PubMed 36290365 (cited by Ambry Genetics); PubMed 38355628 (cited by Ambry Genetics); PubMed 38480854 (cited by Ambry Genetics).